The following is an entry in ClinVar:

ClinVar aggregate classification (germline): Uncertain significance (1 of 4 stars; one submission).

Conditions:
Congenital contractural arachnodactyly (CCA). Also called: BEALS SYNDROME; Beals-Hecht syndrome; Arthrogryposis, distal, type 9. Identifiers: Orphanet 115, MedGen C0220668, MONDO:0007363, OMIM 121050.

Submission:

Labcorp Genetics (formerly Invitae), Labcorp
Classification: Uncertain significance for Congenital contractural arachnodactyly. Last evaluated: 2019-04-05. Review status: criteria provided, single submitter. Criteria: Invitae Variant Classification Sherloc (09022015). Collection method: clinical testing. Allele origin: germline.
Comment: In summary, the available evidence is currently insufficient to determine the role of this variant in disease. Therefore, it has been classified as a Variant of Uncertain Significance. Algorithms developed to predict the effect of sequence changes on RNA splicing suggest that this variant may create or strengthen a splice site, but this prediction has not been confirmed by published transcriptional studies. Algorithms developed to predict the effect of missense changes on protein structure and function are either unavailable or do not agree on the potential impact of this missense change (SIFT: "Tolerated"; PolyPhen-2: "Probably Damaging"; Align-GVGD: "Class C0"). This variant has not been reported in the literature in individuals with FBN2-related conditions. This variant is not present in population databases (ExAC no frequency). This sequence change replaces aspartic acid with glycine at codon 1810 of the FBN2 protein (p.Asp1810Gly). The aspartic acid residue is highly conserved and there is a moderate physicochemical difference between aspartic acid and glycine.

NM_001999.4(FBN2):c.5429A>G (p.Asp1810Gly)

Gene: FBN2 (fibrillin 2; minus strand). Cytogenetic location: 5q23.3.
Variant type: single nucleotide variant.
Coding change: c.5429A>G on transcript NM_001999.4 (MANE Select); coding-DNA position 5429, A replaced by G.
Protein change: p.Asp1810Gly; replaces aspartic acid 1810 with glycine.
Molecular consequence: missense variant.
Genome position (GRCh38, 1-based): chr5:128,305,942, T>C on the plus strand (A>G on the coding strand, the complement: FBN2 is on the minus strand). VCF-style: chr5-128305942-T-C. GRCh37 (hg19) VCF-style: chr5-127641634-T-C.
Other names: short protein forms D1810G.
Identifiers: ClinVar variation 855561 (VCV000855561.10), dbSNP rs1749861614, ClinGen allele CA360741526.